The following is an entry in ClinVar:

ClinVar aggregate classification (germline): Uncertain significance. Review status: criteria provided, multiple submitters, no conflicts (2 of 4 stars). 3 submissions from 3 submitters: Uncertain significance (3). Last evaluated 2024-12-26.

Conditions:
Hereditary cancer-predisposing syndrome. Also called: Neoplastic Syndromes, Hereditary; Tumor predisposition; Hereditary Cancer Syndrome; Hereditary neoplastic syndrome. Identifiers: Orphanet 140162, MedGen C0027672, MeSH D009386, MONDO:0015356.
Neuroblastoma, susceptibility to, 3. Also called: ALK-Related Neuroblastic Tumor Susceptibility. Identifiers: Orphanet 635, MedGen C2751681, MONDO:0013083, OMIM 613014.

Allele frequency attached by ClinVar (database versions not stated): gnomAD exomes below 0.00001; TOPMed below 0.00001.
gnomAD v4.1: 1 of 1,613,904 alleles (0.000062%); highest among the groups gnomAD compares: Non-Finnish European, 0.000085%; no homozygotes.

Submissions (3):

Labcorp Genetics (formerly Invitae), Labcorp
Classification: Uncertain significance for Neuroblastoma, susceptibility to, 3. Last evaluated: 2024-12-26. Review status: criteria provided, single submitter. Criteria: Invitae Variant Classification Sherloc (09022015). Collection method: clinical testing. Allele origin: germline.
Comment: This sequence change replaces glycine, which is neutral and non-polar, with serine, which is neutral and polar, at codon 746 of the ALK protein (p.Gly746Ser). This variant is not present in population databases (gnomAD no frequency). This variant has not been reported in the literature in individuals affected with ALK-related conditions. ClinVar contains an entry for this variant (Variation ID: 538270). An algorithm developed to predict the effect of missense changes on protein structure and function (PolyPhen-2) suggests that this variant is likely to be disruptive. In summary, the available evidence is currently insufficient to determine the role of this variant in disease. Therefore, it has been classified as a Variant of Uncertain Significance.

Ambry Genetics
Classification: Uncertain significance for Hereditary cancer-predisposing syndrome. Last evaluated: 2024-12-04. Review status: criteria provided, single submitter. Criteria: Ambry Variant Classification Scheme 2023. Collection method: clinical testing. Allele origin: germline.
Comment: The p.G746S variant (also known as c.2236G>A), located in coding exon 13 of the ALK gene, results from a G to A substitution at nucleotide position 2236. The glycine at codon 746 is replaced by serine, an amino acid with similar properties. This amino acid position is well conserved in available vertebrate species. In addition, the in silico prediction for this alteration is inconclusive. Based on the available evidence, the clinical significance of this variant remains unclear.

Baylor Genetics
Classification: Uncertain significance for Neuroblastoma, susceptibility to, 3. Last evaluated: 2023-07-02. Review status: criteria provided, single submitter. Criteria: ACMG Guidelines, 2015. Collection method: clinical testing. Allele origin: unknown.

NM_004304.5(ALK):c.2236G>A (p.Gly746Ser)

Gene: ALK (ALK receptor tyrosine kinase; minus strand). Cytogenetic location: 2p23.2.
Variant type: single nucleotide variant.
Coding change: c.2236G>A on transcript NM_004304.5 (MANE Select); coding-DNA position 2236, G replaced by A.
Protein change: p.Gly746Ser; replaces glycine 746 with serine.
Molecular consequence: missense variant.
Genome position (GRCh38, 1-based): chr2:29,239,799, C>T on the plus strand (G>A on the coding strand, the complement: ALK is on the minus strand). VCF-style: chr2-29239799-C-T. GRCh37 (hg19) VCF-style: chr2-29462665-C-T.
Other names: short protein forms G746S.
Identifiers: ClinVar variation 538270 (VCV000538270.13), dbSNP rs1553397495, ClinGen allele CA346474705.
Genomic context (GRCh38, chr2:29,239,799, plus strand): 5'-CCAGGTTGAAGATGCCCAGCACAGACACGCCGTGGGACCGCATCATGGTGTTCTTCCCGC[C>T]TTTCCCGCCAGCAGCTCCGTAGCCCGAGATGCTGCAATGGGACAAAGAACGTTGGCTCCC-3'
Protein context (NP_004295.2, residues 736-756): ISGYGAAGGK[Gly746Ser]GKNTMMRSHG